The following is an entry in ClinVar:

NM_000702.4(ATP1A2):c.1594C>G (p.Gln532Glu)

Gene: ATP1A2 (ATPase Na+/K+ transporting subunit alpha 2; plus strand). Cytogenetic location: 1q23.2.
Variant type: single nucleotide variant.
Coding change: c.1594C>G on transcript NM_000702.4 (MANE Select); coding-DNA position 1594, C replaced by G.
Protein change: p.Gln532Glu; replaces glutamine 532 with glutamic acid.
Molecular consequence: missense variant.
Genome position (GRCh38, 1-based): chr1:160,130,234, C>G. VCF-style: chr1-160130234-C-G. GRCh37 (hg19) VCF-style: chr1-160100024-C-G.
Other names: short protein forms Q532E.
Identifiers: ClinVar variation 841580 (VCV000841580.10), dbSNP rs575299887, ClinGen allele CA1194535.

ClinVar aggregate classification (germline): Conflicting classifications of pathogenicity. Review status: criteria provided, conflicting classifications (1 of 4 stars). 3 submissions from 3 submitters: Uncertain significance (1); Likely benign (2). Last evaluated 2025-12-24.

Conditions:
Inborn genetic diseases. Identifiers: MedGen C0950123, MeSH D030342.
Familial hemiplegic migraine. Identifiers: MedGen C0338484, MONDO:0000700.

Allele frequency attached by ClinVar (database versions not stated): gnomAD exomes 0.00001 and 0.00002; ExAC 0.00004; 1000 Genomes Project 30x 0.00016; gnomAD 0.00016; TOPMed 0.00018; 1000 Genomes Project 0.00020.
gnomAD v4.1: 28 of 1,614,166 alleles (0.0017%); highest among the groups gnomAD compares: African/African-American, 0.031%; no homozygotes.

Submissions (3):

Labcorp Genetics (formerly Invitae), Labcorp
Classification: Likely benign for Familial hemiplegic migraine. Last evaluated: 2025-12-24. Review status: criteria provided, single submitter. Criteria: Invitae Variant Classification Sherloc (09022015). Collection method: clinical testing. Allele origin: germline.

GeneDx
Classification: Uncertain significance. Last evaluated: 2022-11-07. Review status: criteria provided, single submitter. Criteria: GeneDx Variant Classification Process June 2021. Collection method: clinical testing. Allele origin: germline. Affected: yes.
Comment: In silico analysis supports that this missense variant does not alter protein structure/function; Has not been previously published as pathogenic or benign to our knowledge; This variant is associated with the following publications: (PMID: 18184292)

Ambry Genetics
Classification: Likely benign for Inborn genetic diseases. Last evaluated: 2021-08-09. Review status: criteria provided, single submitter. Criteria: Ambry Variant Classification Scheme 2023. Collection method: clinical testing. Allele origin: germline.